The following is an entry in ClinVar:

ClinVar aggregate classification (germline): Uncertain significance (1 of 4 stars; one submission).

Conditions:
Multiple endocrine neoplasia, type 2 (MEN2). Identifiers: Orphanet 653, MedGen C4048306, MONDO:0019003. Disease mechanism: gain of function.

Submission:

Labcorp Genetics (formerly Invitae), Labcorp
Classification: Uncertain significance for Multiple endocrine neoplasia, type 2. Last evaluated: 2020-05-13. Review status: criteria provided, single submitter. Criteria: Invitae Variant Classification Sherloc (09022015). Collection method: clinical testing. Allele origin: germline.
Comment: In summary, the available evidence is currently insufficient to determine the role of this variant in disease. Therefore, it has been classified as a Variant of Uncertain Significance. Algorithms developed to predict the effect of missense changes on protein structure and function are either unavailable or do not agree on the potential impact of this missense change (SIFT: "Not Available"; PolyPhen-2: "Benign"; Align-GVGD: "Not Available"). This variant has not been reported in the literature in individuals with RET-related conditions. This variant is not present in population databases (ExAC no frequency). This sequence change replaces proline with leucine at codon 622 of the RET protein (p.Pro622Leu). The proline residue is moderately conserved and there is a moderate physicochemical difference between proline and leudine.

NM_020975.6(RET):c.1865_1866delinsTT (p.Pro622Leu)

Gene: RET (ret proto-oncogene; plus strand). Cytogenetic location: 10q11.21.
Variant type: Indel.
Coding change: c.1865_1866delinsTT on transcript NM_020975.6 (MANE Select); coding-DNA positions 1865 to 1866, CC replaced by TT.
Protein change: p.Pro622Leu; replaces proline 622 with leucine.
Molecular consequence: missense variant.
Genome position (GRCh38, 1-based): chr10:43,113,661-43,113,662, CC replaced by TT. VCF-style: chr10-43113661-CC-TT. GRCh37 (hg19) VCF-style: chr10-43609109-CC-TT.
Other names: c.1865_1866delCCinsTT, p.Pro622Leu (NM_000323.2, NM_001406743.1, NM_001406744.1 and 6 more transcripts); c.1103_1104delCCinsTT, p.Pro368Leu (NM_001355216.2); c.1736_1737delCCinsTT, p.Pro579Leu (NM_001406761.1, NM_001406762.1, NM_001406764.1 and 1 more transcripts); c.1577_1578delCCinsTT, p.Pro526Leu (NM_001406766.1, NM_001406767.1, NM_001406770.1); c.1469_1470delCCinsTT, p.Pro490Leu (NM_001406769.1, NM_001406772.1); c.1427_1428delCCinsTT, p.Pro476Leu (NM_001406771.1, NM_001406773.1); c.1340_1341delCCinsTT, p.Pro447Leu (NM_001406774.1); c.1139_1140delCCinsTT, p.Pro380Leu (NM_001406775.1, NM_001406776.1, NM_001406777.1 and 1 more transcripts); and 5 more; short protein forms P368L, P622L, P227L, P447L, P490L, P139L, P292L, P526L.
Identifiers: ClinVar variation 1014605 (VCV001014605.8), dbSNP rs1837996489, ClinGen allele CA1905813081.
Genomic context (GRCh38, chr10:43,113,661, plus strand): 5'-TTAAAGCTGGCTATGGCACCTGCAACTGCTTCCCTGAGGAGGAGAAGTGCTTCTGCGAGC[CC>TT]GAAGACATCCAGGGTGAGTGGGTGGCGGCCGGGACCACCACCACCTCCCAGCCCCACAGA-3'
Protein context (NP_066124.1, residues 612-632): FPEEEKCFCE[Pro622Leu]EDIQDPLCDE